The following is an entry in ClinVar:

ClinVar aggregate classification (germline): Benign (1 of 4 stars; one submission).

Conditions:
Leigh syndrome (NULS). Also called: Leigh's necrotizing encephalopathy; Leigh's disease; Leigh Syndrome (mtDNA deletion); Leigh Disease; Subacute necrotizing encephalopathy; Necrotizing encephalopathy infantile subacute of Leigh. Identifiers: Orphanet 506, MedGen C2931891, MONDO:0009723, OMIM 256000.

Submission:

Wong Mito Lab, Molecular and Human Genetics, Baylor College of Medicine
Classification: Benign for Leigh syndrome. Last evaluated: 2019-10-17. Review status: criteria provided, single submitter. Criteria: Modified ACMG Guidelines (Unpublished). Collection method: clinical testing. Allele origin: germline.
Comment: The NC_012920.1:m.8654T>C (YP_003024031.1:p.Ile43Thr) variant in MTATP6 gene is interpretated to be a Benign variant based on the modified ACMG guidelines (unpublished). This variant meets the following evidence codes: BS1, BS2, BP4

NC_012920.1(MT-ATP6):m.8654T>C

Gene: MT-ATP6 (mitochondrially encoded ATP synthase 6; plus strand).
Variant type: single nucleotide variant.
Genome position: chrM-8654-T-C.
Identifiers: ClinVar variation 692942 (VCV000692942.1), dbSNP rs200811540, ClinGen allele CA337097972.